The following is an entry in ClinVar:

ClinVar aggregate classification (germline): Uncertain significance (1 of 4 stars; one submission).

Conditions:
Multiple endocrine neoplasia, type 1 (MEN1). Also called: MEN I; WERMER SYNDROME; Endocrine adenomatosis multiple; MEN 1; MEA I. Identifiers: Orphanet 652, MedGen C0025267, MeSH D018761, MONDO:0007540, OMIM 131100.

Submission:

Labcorp Genetics (formerly Invitae), Labcorp
Classification: Uncertain significance for Multiple endocrine neoplasia, type 1. Last evaluated: 2025-02-20. Review status: criteria provided, single submitter. Criteria: Invitae Variant Classification Sherloc (09022015). Collection method: clinical testing. Allele origin: germline.
Comment: This sequence change replaces alanine, which is neutral and non-polar, with valine, which is neutral and non-polar, at codon 91 of the MEN1 protein (p.Ala91Val). This variant is not present in population databases (gnomAD no frequency). This missense change has been observed in individual(s) with multiple endocrine neoplasia type 1 (PMID: 17953629). Invitae Evidence Modeling of protein sequence and biophysical properties (such as structural, functional, and spatial information, amino acid conservation, physicochemical variation, residue mobility, and thermodynamic stability) has been performed for this missense variant. However, the output from this modeling did not meet the statistical confidence thresholds required to predict the impact of this variant on MEN1 protein function. In summary, the available evidence is currently insufficient to determine the role of this variant in disease. Therefore, it has been classified as a Variant of Uncertain Significance.

Literature cited by the submitters: PubMed 17953629.

NM_001370259.2(MEN1):c.272C>T (p.Ala91Val)

Gene: MEN1 (menin 1; minus strand). Cytogenetic location: 11q13.1.
Variant type: single nucleotide variant.
Coding change: c.272C>T on transcript NM_001370259.2 (MANE Select); coding-DNA position 272, C replaced by T.
Protein change: p.Ala91Val; replaces alanine 91 with valine.
Molecular consequence: missense variant. On other transcripts: non-coding transcript variant (4).
Genome position (GRCh38, 1-based): chr11:64,809,838, G>A on the plus strand (C>T on the coding strand, the complement: MEN1 is on the minus strand). VCF-style: chr11-64809838-G-A. GRCh37 (hg19) VCF-style: chr11-64577310-G-A.
Other names: c.272C>T, p.Ala91Val (NM_000244.4, NM_001370251.2, NM_001370260.2 and 20 more transcripts); short protein forms A91V.
Identifiers: ClinVar variation 4709862 (VCV004709862.1).